The following is an entry in ClinVar:

NM_014516.4(CNOT3):c.1406+1G>A

Gene: CNOT3 (CCR4-NOT transcription complex subunit 3; plus strand). Cytogenetic location: 19q13.42.
Variant type: single nucleotide variant.
Coding change: c.1406+1G>A on transcript NM_014516.4 (MANE Select); the canonical splice donor site of the intron after coding-DNA position 1406, G replaced by A.
Molecular consequence: splice donor variant.
Genome position (GRCh38, 1-based): chr19:54,148,744, G>A. VCF-style: chr19-54148744-G-A. GRCh37 (hg19) VCF-style: chr19-54652479-G-A.
Other names: c.1406+1G>A (NM_014516.3).
Identifiers: ClinVar variation 3387809 (VCV003387809.2).

ClinVar aggregate classification (germline): Pathogenic/Likely pathogenic. Review status: criteria provided, multiple submitters, no conflicts (2 of 4 stars). 2 submissions from 2 submitters: Pathogenic (1); Likely pathogenic (1). Last evaluated 2025-05-31.

Conditions:
CNOT3-related disorder. Also called: CNOT3-related condition.
Intellectual developmental disorder with speech delay, autism, and dysmorphic facies. Identifiers: MedGen C5231456, MONDO:0032864, OMIM 618672.

Submissions (2):

PreventionGenetics, part of Exact Sciences
Classification: Likely pathogenic for CNOT3-related condition. Last evaluated: 2025-05-31. Review status: criteria provided, single submitter. Criteria: ACMG Guidelines, 2015. Collection method: clinical testing. Allele origin: germline.
Comment: The CNOT3 c.1406+1G>A variant is predicted to disrupt the GT donor site and interfere with normal splicing. To our knowledge, this variant has not been reported in the literature or in gnomAD, indicating that this variant is rare. Variants that disrupt the consensus splice donor site in CNOT3 are expected to be pathogenic. This variant is interpreted as likely pathogenic.

Cytogenetique et Genetique Moleculaire, CHU Besancon
Classification: Pathogenic for Intellectual developmental disorder with speech delay, autism, and dysmorphic facies. Last evaluated: 2023-08-13. Review status: criteria provided, single submitter. Criteria: ACMG Guidelines, 2015. Collection method: clinical testing. Allele origin: germline. Affected: yes.
Comment: The NM_014516.4:c.1406+1G>A is an intronic variant in CNOT3 which is predicted to result in a alteration of consensus splice site (Spip and Splice AI), and likely results in an absent or disrupted protein product (PVS1). This variant is not present in gnomAD (PM2; v4.1.0). In summary, this variant meets criteria to be classified as pathogenic for CNOT3-related neurodevelopmental disorders based on the ACMG/AMP criteria applied (PVS1 PM2 PM6).